The following is an entry in ClinVar:

NM_016252.4(BIRC6):c.3825T>C (p.Asn1275=)

Gene: BIRC6 (baculoviral IAP repeat containing 6; plus strand). Cytogenetic location: 2p22.3.
Variant type: single nucleotide variant.
Coding change: c.3825T>C on transcript NM_016252.4 (MANE Select); coding-DNA position 3825, T replaced by C.
Protein change: p.Asn1275=; no amino-acid change (asparagine 1275 retained).
Molecular consequence: synonymous variant.
Genome position (GRCh38, 1-based): chr2:32,441,343, T>C. VCF-style: chr2-32441343-T-C. GRCh37 (hg19) VCF-style: chr2-32666411-T-C.
Other names: c.3783T>C, p.Asn1261= (NM_001378125.1).
Identifiers: ClinVar variation 3059224 (VCV003059224.2), dbSNP rs41291167, ClinGen allele CA1603211.

ClinVar aggregate classification (germline): Benign (0 of 4 stars; one submission).

Conditions:
BIRC6-related disorder. Also called: BIRC6-related condition.

Allele frequency attached by ClinVar (database versions not stated): gnomAD exomes 0.07576; 1000 Genomes Project 0.07588; 1000 Genomes Project 30x 0.07698; ESP Exome Variant Server 0.07908; gnomAD 0.08277; TOPMed 0.08873; ExAC 0.13402.
gnomAD v4.1: 119,968 of 1,574,418 alleles (7.6%); highest among the groups gnomAD compares: Admixed American, 19%; 5,508 homozygotes.

Submission:

PreventionGenetics, part of Exact Sciences
Classification: Benign for BIRC6-related condition. Last evaluated: 2019-12-13. Review status: no assertion criteria provided. Collection method: clinical testing. Allele origin: germline.
Comment: This variant is classified as benign based on ACMG/AMP sequence variant interpretation guidelines (Richards et al. 2015 PMID: 25741868, with internal and published modifications).